The following is an entry in ClinVar:

NM_007294.4(BRCA1):c.2083del (p.Asp695fs)

Gene: BRCA1 (BRCA1 DNA repair associated; minus strand). Cytogenetic location: 17q21.31.
Variant type: Deletion.
Coding change: c.2083del on transcript NM_007294.4 (MANE Select); coding-DNA position 2083, one base deleted (G; older notation c.2083delG).
Protein change: p.Asp695fs; shifts the reading frame from aspartic acid 695.
Molecular consequence: frameshift variant. On other transcripts: intron variant (137).
Genome position (GRCh38, 1-based): chr17:43,093,448, C deleted on the plus strand (G on the coding strand, the reverse complement: BRCA1 is on the minus strand). VCF-style (leftmost placement, unchanged base first): chr17-43093447-TC-T. GRCh37 (hg19) VCF-style: chr17-41245464-TC-T.
Other names: c.670+2398del (NM_001408419.1, NM_001408422.1, NM_001408418.1 and 2 more transcripts); c.1942del, p.Asp648fs (NM_001407697.1, NM_001407731.1, NM_001407724.1 and 29 more transcripts); c.787+1296del (NM_001408403.1, NM_001407971.1, NM_001407983.1 and 19 more transcripts); c.790+1293del (NM_001408406.1); c.577+1296del (NM_001408482.1, NM_001408484.1, NM_001408481.1 and 9 more transcripts); c.520+1296del (NM_001408504.1, NM_001408503.1, NM_001408505.1); c.523+1296del (NM_001408499.1, NM_001408498.1, NM_001408501.1 and 3 more transcripts); c.646+1296del (NM_001408456.1, NM_001408458.1, NM_001408469.1 and 11 more transcripts); and 40 more; short protein forms D695fs, D648fs, D399fs, D606fs, D692fs, D624fs, D625fs, D653fs.
Identifiers: ClinVar variation 545776 (VCV000545776.4), dbSNP rs1555590505, ClinGen allele CA658824021.

ClinVar aggregate classification (germline): Pathogenic. Review status: criteria provided, multiple submitters, no conflicts (2 of 4 stars). 2 submissions from 2 submitters: Pathogenic (2). Last evaluated 2026-01-05.

Conditions:
Hereditary breast ovarian cancer syndrome. Also called: Hereditary breast and ovarian cancer; Hereditary breast and/or ovarian cancer syndrome; Hereditary breast and ovarian cancer syndrome; Hereditary breast and ovarian cancer syndrome (HBOC); Breast and ovarian cancer; BRCA1- and BRCA2-Associated Hereditary Breast and Ovarian Cancer. Identifiers: Orphanet 145, MedGen C0677776, MeSH D061325, MONDO:0003582. Disease mechanism: loss of function.

Submissions (2):

Labcorp Genetics (formerly Invitae), Labcorp
Classification: Pathogenic for Hereditary breast ovarian cancer syndrome. Last evaluated: 2026-01-05. Review status: criteria provided, single submitter. Criteria: Invitae Variant Classification Sherloc (09022015). Collection method: clinical testing. Allele origin: germline.
Comment: This sequence change creates a premature translational stop signal (p.Asp695Ilefs*6) in the BRCA1 gene. It is expected to result in an absent or disrupted protein product. Loss-of-function variants in BRCA1 are known to be pathogenic (PMID: 20104584). This variant is not present in population databases (gnomAD no frequency). This variant has not been reported in the literature in individuals affected with BRCA1-related conditions. ClinVar contains an entry for this variant (Variation ID: 545776). For these reasons, this variant has been classified as Pathogenic.

GeneDx
Classification: Pathogenic. Last evaluated: 2017-03-31. Review status: criteria provided, single submitter. Criteria: GeneDx Variant Classification (06012015). Collection method: clinical testing. Allele origin: germline. Affected: yes.
Comment: This deletion of one nucleotide in BRCA1 is denoted c.2083delG at the cDNA level and p.Asp695IlefsX6 (D695IfsX6) at the protein level. Using alternate nomenclature, this variant would be defined as BRCA1 c.2202delG. The normal sequence, with the base that is deleted in brackets, is CAGC[delG]ATAC. The deletion causes a frameshift which changes an Aspartic Acid to an Isoleucine at codon 695, and creates a premature stop codon at position 6 of the new reading frame. Although this variant has not, to our knowledge, been reported in the literature, it is predicted to cause loss of normal protein function through either protein truncation or nonsense-mediated mRNA decay. We consider this variant to be pathogenic.

Literature cited by the submitters: PubMed 20104584 (cited by Labcorp Genetics (formerly Invitae), Labcorp).